The following is an entry in ClinVar:

NM_000338.3(SLC12A1):c.3004G>A (p.Glu1002Lys)

Gene: SLC12A1 (solute carrier family 12 member 1; plus strand). Cytogenetic location: 15q21.1.
Variant type: single nucleotide variant.
Coding change: c.3004G>A on transcript NM_000338.3 (MANE Select); coding-DNA position 3004, G replaced by A.
Protein change: p.Glu1002Lys; replaces glutamic acid 1002 with lysine.
Molecular consequence: missense variant.
Genome position (GRCh38, 1-based): chr15:48,299,183, G>A. VCF-style: chr15-48299183-G-A. GRCh37 (hg19) VCF-style: chr15-48591380-G-A.
Other names: c.3004G>A (NM_000338.2); c.3004G>A, p.Glu1002Lys (NM_001184832.2, NM_001384136.1); short protein forms E1002K.
Identifiers: ClinVar variation 1441907 (VCV001441907.6), dbSNP rs771044374, ClinGen allele CA7547570.

ClinVar aggregate classification (germline): Uncertain significance. Review status: criteria provided, multiple submitters, no conflicts (2 of 4 stars). 3 submissions from 3 submitters: Uncertain significance (3). Last evaluated 2025-08-21.

Conditions:
Inborn genetic diseases. Identifiers: MedGen C0950123, MeSH D030342.
SLC12A1-related disorder. Also called: SLC12A1-related condition.

Allele frequency attached by ClinVar (database versions not stated): gnomAD exomes 0.00001 and 0.00002; TOPMed 0.00001; ExAC 0.00003.
gnomAD v4.1: 8 of 1,607,556 alleles (0.0005%); highest among the groups gnomAD compares: Admixed American, 0.014%; no homozygotes.

Submissions (3):

PreventionGenetics, part of Exact Sciences
Classification: Uncertain significance for SLC12A1-related condition. Last evaluated: 2025-08-21. Review status: criteria provided, single submitter. Criteria: ACMG Guidelines, 2015. Collection method: clinical testing. Allele origin: germline.
Comment: The SLC12A1 c.3004G>A variant is predicted to result in the amino acid substitution p.Glu1002Lys. To our knowledge, this variant has not been reported in the literature. This variant is reported in 0.015% of alleles in individuals of Latino descent in gnomAD. At this time, the clinical significance of this variant is uncertain due to the absence of conclusive functional and genetic evidence.

Ambry Genetics
Classification: Uncertain significance for Inborn genetic diseases. Last evaluated: 2024-08-19. Review status: criteria provided, single submitter. Criteria: Ambry Variant Classification Scheme 2023. Collection method: clinical testing. Allele origin: germline.

Labcorp Genetics (formerly Invitae), Labcorp
Classification: Uncertain significance. Last evaluated: 2022-05-08. Review status: criteria provided, single submitter. Criteria: Invitae Variant Classification Sherloc (09022015). Collection method: clinical testing. Allele origin: germline.
Comment: This sequence change replaces glutamic acid, which is acidic and polar, with lysine, which is basic and polar, at codon 1002 of the SLC12A1 protein (p.Glu1002Lys). This variant is present in population databases (rs771044374, gnomAD 0.02%). This variant has not been reported in the literature in individuals affected with SLC12A1-related conditions. Algorithms developed to predict the effect of missense changes on protein structure and function are either unavailable or do not agree on the potential impact of this missense change (SIFT: "Tolerated"; PolyPhen-2: "Probably Damaging"; Align-GVGD: "Class C0"). In summary, the available evidence is currently insufficient to determine the role of this variant in disease. Therefore, it has been classified as a Variant of Uncertain Significance.